The following is an entry in ClinVar:

NM_198525.3(KIF7):c.1645C>G (p.Arg549Gly)

Gene: KIF7 (kinesin family member 7; minus strand). Cytogenetic location: 15q26.1.
Variant type: single nucleotide variant.
Coding change: c.1645C>G on transcript NM_198525.3 (MANE Select); coding-DNA position 1645, C replaced by G.
Protein change: p.Arg549Gly; replaces arginine 549 with glycine.
Molecular consequence: missense variant.
Genome position (GRCh38, 1-based): chr15:89,646,973, G>C on the plus strand (C>G on the coding strand, the complement: KIF7 is on the minus strand). VCF-style: chr15-89646973-G-C. GRCh37 (hg19) VCF-style: chr15-90190204-G-C.
Other names: short protein forms R549G.
Identifiers: ClinVar variation 1444241 (VCV001444241.6), dbSNP rs866153959, ClinGen allele CA393767701.
Genomic context (GRCh38, chr15:89,646,973, plus strand): 5'-CCAGGGGGGCTGTATGAGGTCGAGGCACAAAGGACCCGGGAGGCAGGCCATTCAGGAGCC[G>C]CGGGCCCCCCCAGCCTGGCCGCACCAGCTCTAACCGCAGCCGCAGTTCCACCATCTCCTC-3'
Protein context (NP_940927.2, residues 539-559): ELVRPGWGGP[Arg549Gly]LLNGLPPGSF

ClinVar aggregate classification (germline): Uncertain significance (1 of 4 stars; one submission).

Conditions:
Acrocallosal syndrome (ACLS). Also called: HALLUX DUPLICATION, POSTAXIAL POLYDACTYLY, AND ABSENCE OF CORPUS CALLOSUM; Schinzel syndrome 1; Absence of corpus callosum with unusual facial appearance, mental deficiency, duplication of the halluces and polydactyly. Identifiers: Orphanet 36, MedGen C0796147, MONDO:0008708, OMIM 200990.

Submission:

Labcorp Genetics (formerly Invitae), Labcorp
Classification: Uncertain significance for Acrocallosal syndrome. Last evaluated: 2021-08-11. Review status: criteria provided, single submitter. Criteria: Invitae Variant Classification Sherloc (09022015). Collection method: clinical testing. Allele origin: germline.
Comment: In summary, the available evidence is currently insufficient to determine the role of this variant in disease. Therefore, it has been classified as a Variant of Uncertain Significance. Algorithms developed to predict the effect of missense changes on protein structure and function output the following: SIFT: "Tolerated"; PolyPhen-2: "Benign"; Align-GVGD: "Class C0". The glycine amino acid residue is found in multiple mammalian species, which suggests that this missense change does not adversely affect protein function. This variant has not been reported in the literature in individuals affected with KIF7-related conditions. This variant is not present in population databases (ExAC no frequency). This sequence change replaces arginine with glycine at codon 549 of the KIF7 protein (p.Arg549Gly). The arginine residue is weakly conserved and there is a moderate physicochemical difference between arginine and glycine.